The following is an entry in ClinVar:

NM_001458.5(FLNC):c.5683G>C (p.Ala1895Pro)

Genes: FLNC-AS1 (FLNC antisense RNA 1; minus strand), FLNC (filamin C; plus strand). Cytogenetic location: 7q32.1.
Variant type: single nucleotide variant.
Coding change: c.5683G>C on transcript NM_001458.5 (MANE Select); coding-DNA position 5683, G replaced by C.
Protein change: p.Ala1895Pro; replaces alanine 1895 with proline.
Molecular consequence: missense variant. On other transcripts: non-coding transcript variant (1).
Genome position (GRCh38, 1-based): chr7:128,851,469, G>C. VCF-style: chr7-128851469-G-C. GRCh37 (hg19) VCF-style: chr7-128491523-G-C.
Other names: c.5584G>C, p.Ala1862Pro (NM_001127487.2); short protein forms A1862P, A1895P.
Identifiers: ClinVar variation 1364549 (VCV001364549.8), dbSNP rs2128938435, ClinGen allele CA369207992.
Genomic context (GRCh38, chr7:128,851,469, plus strand): 5'-GGGGTGAGGGCAGGACCTCTGATCTTGGCCACACCTCCACCTACAGGGGGTCTGTCACTG[G>C]CCGTGGAGGGCCCATCCAAGGCAGAGATCACCTGTAAGGACAACAAGGATGGCACCTGCA-3'
Protein context (NP_001449.3, residues 1885-1905): KDAGEGGLSL[Ala1895Pro]VEGPSKAEIT

ClinVar aggregate classification (germline): Likely pathogenic (1 of 4 stars; one submission).

Conditions:
Myofibrillar myopathy 5. Also called: FILAMINOPATHY, AUTOSOMAL DOMINANT; Filaminopathy (type). Identifiers: Orphanet 171445, MedGen C1836050, MONDO:0012289, OMIM 609524.
Distal myopathy with posterior leg and anterior hand involvement. Also called: WILLIAMS DISTAL MYOPATHY. Identifiers: Orphanet 63273, MedGen C3279722, MONDO:0013550, OMIM 614065.
Hypertrophic cardiomyopathy 26. Also called: Cardiomyopathy, familial hypertrophic, 26. Identifiers: Orphanet 75249, MedGen C4310749, MONDO:0014883, OMIM 617047.

Submission:

Labcorp Genetics (formerly Invitae), Labcorp
Classification: Likely pathogenic for Distal myopathy with posterior leg and anterior hand involvement; Myofibrillar myopathy 5; Hypertrophic cardiomyopathy 26. Last evaluated: 2023-05-17. Review status: criteria provided, single submitter. Criteria: Invitae Variant Classification Sherloc (09022015). Collection method: clinical testing. Allele origin: germline.
Comment: In summary, the currently available evidence indicates that the variant is pathogenic, but additional data are needed to prove that conclusively. Therefore, this variant has been classified as Likely Pathogenic. Advanced modeling of protein sequence and biophysical properties (such as structural, functional, and spatial information, amino acid conservation, physicochemical variation, residue mobility, and thermodynamic stability) has been performed at Invitae for this missense variant, however the output from this modeling did not meet the statistical confidence thresholds required to predict the impact of this variant on FLNC protein function. This sequence change replaces alanine, which is neutral and non-polar, with proline, which is neutral and non-polar, at codon 1895 of the FLNC protein (p.Ala1895Pro). This variant is not present in population databases (gnomAD no frequency). This missense change has been observed in individual(s) with restrictive cardiomyopathy (Invitae). In at least one individual the variant was observed to be de novo. ClinVar contains an entry for this variant (Variation ID: 1364549).